The following is an entry in ClinVar:

ClinVar aggregate classification (germline): Likely pathogenic (1 of 4 stars; one submission).

Submission:

Labcorp Genetics (formerly Invitae), Labcorp
Classification: Likely pathogenic. Last evaluated: 2023-05-13. Review status: criteria provided, single submitter. Criteria: Invitae Variant Classification Sherloc (09022015). Collection method: clinical testing. Allele origin: germline.
Comment: In summary, the currently available evidence indicates that the variant is pathogenic, but additional data are needed to prove that conclusively. Therefore, this variant has been classified as Likely Pathogenic. Algorithms developed to predict the effect of sequence changes on RNA splicing suggest that this variant may disrupt the consensus splice site. This variant has not been reported in the literature in individuals affected with ACAD9-related conditions. This variant is not present in population databases (gnomAD no frequency). This variant results in the deletion of part of exon 16 of the ACAD9 gene. It is expected to disrupt RNA splicing. Variants that disrupt the donor or acceptor splice site typically lead to a loss of protein function (PMID: 16199547), and loss-of-function variants in ACAD9 are known to be pathogenic (PMID: 25721401).

Literature cited by the submitters: PubMed 16199547; PubMed 25721401.

NM_014049.5(ACAD9):c.1632_1692+6del

Genes: ACAD9 (acyl-CoA dehydrogenase family member 9; plus strand), CFAP92 (cilia and flagella associated protein 92 (putative); minus strand). Cytogenetic location: 3q21.3.
Variant type: Deletion.
Coding change: c.1632_1692+6del on transcript NM_014049.5 (MANE Select); coding-DNA position 1632 through 6 bases into the intron after coding-DNA position 1692, 67 bases deleted.
Molecular consequence: splice donor variant. On other transcripts: 3 prime UTR variant (3).
Genome position (GRCh38, 1-based): chr3:128,910,089-128,910,155, 67 bases deleted. GRCh37 (hg19): chr3:128,628,932-128,628,998.
Other names: c.*145_*211del (NM_001348520.2, NM_001348521.2, NM_001394090.1); c.1263_1323+6del (NM_001410805.1).
Identifiers: ClinVar variation 2999877 (VCV002999877.3), dbSNP rs2529283339, ClinGen allele CA2740091014.